The following is an entry in ClinVar:

NM_024426.6(WT1):c.1029del (p.Tyr344fs)

Gene: WT1 (WT1 transcription factor; minus strand). Cytogenetic location: 11p13.
Variant type: Deletion.
Coding change: c.1029del on transcript NM_024426.6 (MANE Select); coding-DNA position 1029, one base deleted (G; older notation c.1029delG).
Protein change: p.Tyr344fs; shifts the reading frame from tyrosine 344.
Molecular consequence: frameshift variant. On other transcripts: 5 prime UTR variant (1), non-coding transcript variant (2).
Genome position (GRCh38, 1-based): chr11:32,400,032, C deleted on the plus strand (G on the coding strand, the reverse complement: WT1 is on the minus strand); the first of 3 consecutive C bases (chr11:32,400,032-32,400,034); deleting any one gives the same sequence. VCF-style (leftmost placement, unchanged base first): chr11-32400031-AC-A. GRCh37 (hg19) VCF-style: chr11-32421577-AC-A.
Other names: c.978del, p.Tyr327fs (NM_000378.6, NM_001407045.1, NM_001407048.1 and 1 more transcripts); c.378del, p.Tyr127fs (NM_001198551.2); c.327del, p.Tyr110fs (NM_001198552.2); c.-160del (NM_001367854.1); c.1023del, p.Tyr342fs (NM_001407044.1); c.1029del, p.Tyr344fs (NM_001407046.1, NM_024424.5); c.906del, p.Tyr303fs (NM_001407047.1); c.855del, p.Tyr286fs (NM_001407050.1); and 2 more; short protein forms Y110fs, Y303fs, Y327fs, Y344fs, Y90fs, Y127fs, Y286fs, Y342fs.
Identifiers: ClinVar variation 2949440 (VCV002949440.3), dbSNP rs2494825871, ClinGen allele CA2740093692.

ClinVar aggregate classification (germline): Pathogenic (1 of 4 stars; one submission).

Conditions:
Drash syndrome (DDS). Also called: NEPHROPATHY, WILMS TUMOR, AND GENITAL ANOMALIES; WILMS TUMOR AND PSEUDO- OR TRUE HERMAPHRODITISM. Identifiers: Orphanet 220, MedGen C0950121, MONDO:0008682, OMIM 194080.
Wilms tumor 1 (WT1). Also called: Wilms tumor, somatic. Identifiers: Orphanet 654, MedGen CN033288, MONDO:0008679, OMIM 194070.
11p partial monosomy syndrome (WAGR). Also called: CHROMOSOME 11p13 DELETION SYNDROME; WAGR syndrome; WAGR Complex; WAGR Spectrum Disorder. Identifiers: Orphanet 893, MedGen C0206115, MONDO:0008681, OMIM 194072.
Frasier syndrome. Identifiers: Orphanet 347, MedGen C0950122, MeSH D052159, MONDO:0007635, OMIM 136680.

Submission:

Labcorp Genetics (formerly Invitae), Labcorp
Classification: Pathogenic for Wilms tumor 1; Drash syndrome; 11p partial monosomy syndrome; Frasier syndrome. Last evaluated: 2023-06-29. Review status: criteria provided, single submitter. Criteria: Invitae Variant Classification Sherloc (09022015). Collection method: clinical testing. Allele origin: germline.
Comment: For these reasons, this variant has been classified as Pathogenic. This variant has not been reported in the literature in individuals affected with WT1-related conditions. This variant is not present in population databases (gnomAD no frequency). This sequence change creates a premature translational stop signal (p.Tyr339Thrfs*36) in the WT1 gene. It is expected to result in an absent or disrupted protein product. Loss-of-function variants in WT1 are known to be pathogenic (PMID: 15150775).

Literature cited by the submitters: PubMed 15150775.